The following is an entry in ClinVar:

ClinVar aggregate classification (germline): Uncertain significance (1 of 4 stars; one submission).

Submission:

Labcorp Genetics (formerly Invitae), Labcorp
Classification: Uncertain significance. Last evaluated: 2022-10-25. Review status: criteria provided, single submitter. Criteria: Invitae Variant Classification Sherloc (09022015). Collection method: clinical testing. Allele origin: germline.
Comment: This sequence change replaces glutamic acid, which is acidic and polar, with aspartic acid, which is acidic and polar, at codon 728 of the AP3D1 protein (p.Glu728Asp). This variant is not present in population databases (gnomAD no frequency). This variant has not been reported in the literature in individuals affected with AP3D1-related conditions. Algorithms developed to predict the effect of missense changes on protein structure and function (SIFT, PolyPhen-2, Align-GVGD) all suggest that this variant is likely to be tolerated. In summary, the available evidence is currently insufficient to determine the role of this variant in disease. Therefore, it has been classified as a Variant of Uncertain Significance.

NM_001261826.3(AP3D1):c.2184G>C (p.Glu728Asp)

Gene: AP3D1 (adaptor related protein complex 3 subunit delta 1; minus strand). Cytogenetic location: 19p13.3.
Variant type: single nucleotide variant.
Coding change: c.2184G>C on transcript NM_001261826.3 (MANE Select); coding-DNA position 2184, G replaced by C.
Protein change: p.Glu728Asp; replaces glutamic acid 728 with aspartic acid.
Molecular consequence: missense variant.
Genome position (GRCh38, 1-based): chr19:2,115,384, C>G on the plus strand (G>C on the coding strand, the complement: AP3D1 is on the minus strand). VCF-style: chr19-2115384-C-G. GRCh37 (hg19) VCF-style: chr19-2115383-C-G.
Other names: c.2184G>C, p.Glu728Asp (NM_001374799.1, NM_003938.8); short protein forms E728D.
Identifiers: ClinVar variation 1717802 (VCV001717802.6), dbSNP rs2240654, ClinGen allele CA403213784.